The following is an entry in ClinVar:

ClinVar aggregate classification (germline): Uncertain significance (1 of 4 stars; one submission).

gnomAD v4.1: 18 of 1,614,014 alleles (0.0011%); highest among the groups gnomAD compares: Non-Finnish European, 0.0015%; no homozygotes.

Submission:

GeneDx
Classification: Uncertain significance. Last evaluated: 2026-07-28. Review status: criteria provided, single submitter. Criteria: GeneDx Variant Classification Process June 2021. Collection method: clinical testing. Allele origin: germline.
Comment: Not observed at significant frequency in large population cohorts (gnomAD); In silico analysis suggests that this missense variant does not alter protein structure/function; Has not been previously published as pathogenic or benign to our knowledge

NM_000552.5(VWF):c.7337A>C (p.Glu2446Ala)

Gene: VWF (von Willebrand factor; minus strand). Cytogenetic location: 12p13.31.
Variant type: single nucleotide variant.
Coding change: c.7337A>C on transcript NM_000552.5 (MANE Select); coding-DNA position 7337, A replaced by C.
Protein change: p.Glu2446Ala; replaces glutamic acid 2446 with alanine.
Molecular consequence: missense variant.
Genome position (GRCh38, 1-based): chr12:5,976,211, T>G on the plus strand (A>C on the coding strand, the complement: VWF is on the minus strand). VCF-style: chr12-5976211-T-G. GRCh37 (hg19) VCF-style: chr12-6085377-T-G.
Other names: short protein forms E2446A.
Identifiers: ClinVar variation 4086653 (VCV004086653.2).